The following is an entry in ClinVar:

NM_005560.6(LAMA5):c.9793G>A (p.Val3265Ile)

Gene: LAMA5 (laminin subunit alpha 5; minus strand). Cytogenetic location: 20q13.33.
Variant type: single nucleotide variant.
Coding change: c.9793G>A on transcript NM_005560.6 (MANE Select); coding-DNA position 9793, G replaced by A.
Protein change: p.Val3265Ile; replaces valine 3265 with isoleucine.
Molecular consequence: missense variant.
Genome position (GRCh38, 1-based): chr20:62,311,627, C>T on the plus strand (G>A on the coding strand, the complement: LAMA5 is on the minus strand). VCF-style: chr20-62311627-C-T. GRCh37 (hg19) VCF-style: chr20-60886683-C-T.
Other names: short protein forms V3265I.
Identifiers: ClinVar variation 3775173 (VCV003775173.1).

ClinVar aggregate classification (germline): Uncertain significance (1 of 4 stars; one submission).

Conditions:
Nephrotic syndrome, IIa 26. Also called: Nephrotic syndrome, type 26. Identifiers: MedGen C5774221, MONDO:0031061, OMIM 620049.

gnomAD v4.1: 1,325 of 1,604,972 alleles (0.083%); highest among the groups gnomAD compares: Admixed American, 0.14%; 1 homozygote.

Submission:

3billion
Classification: Uncertain significance for Nephrotic syndrome, IIa 26. Last evaluated: 2024-01-19. Review status: criteria provided, single submitter. Criteria: ACMG Guidelines, 2015. Collection method: clinical testing. Allele origin: germline. Affected: yes.
Comment: The variant is observed at an extremely low frequency in the gnomAD v2.1.1 dataset (total allele frequency: 0.038%). Predicted Consequence/Location: Missense variant In silico tool predictions suggest no damaging effect of the variant on gene or gene product [REVEL: 0.29 (<0.4); 3Cnet: 0.05 (<0.15, specificity 0.78 and negative predicitive value 0.92)]. Therefore, this variant is classified as VUS according to the recommendation of ACMG/AMP guideline.